The following is an entry in ClinVar:

ClinVar aggregate classification (germline): Pathogenic (1 of 4 stars; one submission).

Conditions:
Hereditary cancer-predisposing syndrome. Also called: Hereditary Cancer Syndrome; Hereditary neoplastic syndrome; Neoplastic Syndromes, Hereditary; Tumor predisposition. Identifiers: Orphanet 140162, MedGen C0027672, MeSH D009386, MONDO:0015356.

Submission:

Ambry Genetics
Classification: Pathogenic for Hereditary cancer-predisposing syndrome. Last evaluated: 2025-03-20. Review status: criteria provided, single submitter. Criteria: Ambry Variant Classification Scheme 2023. Collection method: clinical testing. Allele origin: germline.
Comment: The c.1720delT pathogenic mutation, located in coding exon 4 of the MSH6 gene, results from a deletion of one nucleotide at nucleotide position 1720, causing a translational frameshift with a predicted alternate stop codon (p.S574Qfs*12). This variant is considered to be rare based on population cohorts in the Genome Aggregation Database (gnomAD). This alteration is expected to result in loss of function by premature protein truncation or nonsense-mediated mRNA decay. As such, this alteration is interpreted as a disease-causing mutation.

NM_000179.3(MSH6):c.1720del (p.Ser574fs)

Gene: MSH6 (mutS homolog 6; plus strand). Cytogenetic location: 2p16.3.
Variant type: Deletion.
Coding change: c.1720del on transcript NM_000179.3 (MANE Select); coding-DNA position 1720, one base deleted (T; older notation c.1720delT).
Protein change: p.Ser574fs; shifts the reading frame from serine 574.
Molecular consequence: frameshift variant. On other transcripts: non-coding transcript variant (4), intron variant (2).
Genome position (GRCh38, 1-based): chr2:47,799,703, T deleted; the last of 4 consecutive T bases (chr2:47,799,700-47,799,703); deleting any one gives the same sequence. VCF-style (leftmost placement, unchanged base first): chr2-47799699-GT-G. GRCh37 (hg19) VCF-style: chr2-48026838-GT-G.
Other names: c.1423del, p.Ser475fs (NM_001406818.1, NM_001406819.1, NM_001406820.1 and 10 more transcripts); c.1330del, p.Ser444fs (NM_001281492.2); c.814del, p.Ser272fs (NM_001281493.2, NM_001281494.2, NM_001406811.1 and 6 more transcripts); c.1816del, p.Ser606fs (NM_001406795.1, NM_001406802.1); c.1720del, p.Ser574fs (NM_001406796.1, NM_001406798.1, NM_001406800.1 and 3 more transcripts); c.1195del, p.Ser399fs (NM_001406799.1, NM_001406806.1, NM_001406807.1); c.1642del, p.Ser548fs (NM_001406804.1); c.1726del, p.Ser576fs (NM_001406813.1); and 3 more; short protein forms S444fs, S399fs, S475fs, S576fs, S606fs, S518fs, S272fs, S548fs.
Identifiers: ClinVar variation 3913709 (VCV003913709.1).